The following is an entry in ClinVar:

ClinVar aggregate classification (germline): Pathogenic/Likely pathogenic. Review status: criteria provided, multiple submitters, no conflicts (2 of 4 stars). 6 submissions from 6 submitters: Pathogenic (5); Likely pathogenic (1). Last evaluated 2025-12-16.

Conditions:
Autosomal recessive GBA-related disorders.
Gaucher disease. Also called: Acute cerebral Gaucher disease; Cerebroside lipidosis syndrome; Gaucher splenomegaly; Sphingolipidosis 1; Glucocerebrosidosis; Glucosylceramidase deficiency. Identifiers: Orphanet 355, MedGen C0017205, MONDO:0018150.
Parkinson disease, late-onset (PD). Also called: PARKINSON DISEASE, LATE-ONSET, SUSCEPTIBILITY TO; Susceptibility to Parkinson's Disease; Hereditary late onset Parkinson disease. Identifiers: Orphanet 411602, MedGen C3160718, MONDO:0008199, OMIM 168600.

gnomAD v4.1: 18 of 1,609,276 alleles (0.0011%); highest among the groups gnomAD compares: Non-Finnish European, 0.0015%; no homozygotes.

Submissions (6):

Natera, Inc.
Classification: Pathogenic for Gaucher disease. Last evaluated: 2025-12-16. Review status: criteria provided, single submitter. Criteria: Natera Variant Classification Schema (03/2026). Collection method: clinical testing. Allele origin: germline.
Comment: The c.635C>G variant in GBA1 is a nonsense variant predicted to introduce a stop codon at amino acid 212. This variant is expected to result in nonsense mediated decay, truncation, or a dysfunctional protein product. This variant is rare in the general population with a frequency below the threshold expected for the associated phenotype(s). This variant has been observed in one or more individuals affected with the associated recessive disease, as either homozygous or compound heterozygous with a second variant (PMID: 7655857, 34649574). Given the available evidence, this variant is classified as Pathogenic.

Variantyx, Inc.
Classification: Likely pathogenic for Autosomal recessive GBA-related disorders. Last evaluated: 2025-08-11. Review status: criteria provided, single submitter. Criteria: Variantyx Assertion Criteria 2022. Collection method: clinical testing. Allele origin: germline. Inheritance: Autosomal recessive inheritance. Affected: no.
Comment: This is a nonsense variant in the GBA gene (OMIM: 606463). Pathogenic variants in this gene have been associated with autosomal recessive GBA-related disorders. This variant introduces a premature termination codon in exon 7 out of 12 and is expected to result in loss of function, which is a known disease mechanism for GBA in this disorder (PMID: 7655857) (PVS1). This variant has a 0.0016% maximum allele frequency in non-founder control populations (PM2). Based on the current evidence, this variant is classified as likely pathogenic for autosomal recessive GBA-related disorders.

Fulgent Genetics
Classification: Pathogenic for Parkinson disease, late-onset. Last evaluated: 2021-05-03. Review status: criteria provided, single submitter. Criteria: ACMG Guidelines, 2015. Collection method: clinical testing. Allele origin: germline. Affected: yes.

GeneDx
Classification: Pathogenic. Last evaluated: 2021-04-05. Review status: criteria provided, single submitter. Criteria: GeneDx Variant Classification Process June 2021. Collection method: clinical testing. Allele origin: germline. Affected: yes.
Comment: Nonsense variant predicted to result in protein truncation or nonsense mediated decay in a gene for which loss-of-function is a known mechanism of disease; Not observed in large population cohorts (Lek et al., 2016); This variant is associated with the following publications: (PMID: 22658918, 20947659, 7655857, 25525159)

Women's Health and Genetics/Laboratory Corporation of America, LabCorp
Classification: Pathogenic for Gaucher disease. Last evaluated: 2021-01-02. Review status: criteria provided, single submitter. Criteria: LabCorp Variant Classification Summary - May 2015. Collection method: clinical testing. Allele origin: germline.
Comment: Variant summary: GBA c.635C>G (p.Ser212X) results in a premature termination codon, predicted to cause a truncation of the encoded protein or absence of the protein due to nonsense mediated decay, which are commonly known mechanisms for disease. Truncations downstream of this position have been classified as pathogenic by our laboratory. The variant was absent in 244246 control chromosomes. c.635C>G has been reported in the literature in individuals affected with Gaucher Disease and Parkinson Disease (example, Beutler_1995, Lesage_2011, Duran_2012). These data indicate that the variant is likely to be associated with disease. To our knowledge, no experimental evidence demonstrating an impact on protein function has been reported. No clinical diagnostic laboratories have submitted clinical-significance assessments for this variant to ClinVar after 2014. Based on the evidence outlined above, the variant was classified as pathogenic.

Revvity Omics, Revvity
Classification: Pathogenic. Last evaluated: 2020-11-12. Review status: criteria provided, single submitter. Criteria: ACMG Guidelines, 2015. Collection method: clinical testing. Allele origin: germline.

Literature cited by the submitters: PubMed 7655857 (cited by 3 submitters); PubMed 34649574 (cited by Natera, Inc.); PubMed 20947659 (cited by Women's Health and Genetics/Laboratory Corporation of America, LabCorp); PubMed 22658918 (cited by Women's Health and Genetics/Laboratory Corporation of America, LabCorp).

NM_000157.4(GBA1):c.635C>G (p.Ser212Ter)

Genes: GBA1 (glucosylceramidase beta 1; minus strand), LOC106627981 (GBA recombination region; plus strand). Cytogenetic location: 1q22.
Variant type: single nucleotide variant.
Coding change: c.635C>G on transcript NM_000157.4 (MANE Select); coding-DNA position 635, C replaced by G.
Protein change: p.Ser212Ter; replaces serine 212 with a stop codon.
Molecular consequence: nonsense.
Genome position (GRCh38, 1-based): chr1:155,238,260, G>C on the plus strand (C>G on the coding strand, the complement: GBA1 is on the minus strand). VCF-style: chr1-155238260-G-C. GRCh37 (hg19) VCF-style: chr1-155208051-G-C.
Other names: c.635C>G, p.Ser212Ter (NM_001005741.3, NM_001005742.3); c.374C>G, p.Ser125Ter (NM_001171811.2); c.488C>G, p.Ser163Ter (NM_001171812.2); c.635C>G (NM_000157.3); short protein forms S125*, S163*, S212*.
Identifiers: ClinVar variation 996254 (VCV000996254.23), dbSNP rs1671872221, ClinGen allele CA342722534.